The following is an entry in ClinVar:

NM_001080517.3(SETD5):c.1160T>C (p.Ile387Thr)

Gene: SETD5 (SET domain containing 5; plus strand). Cytogenetic location: 3p25.3.
Variant type: single nucleotide variant.
Coding change: c.1160T>C on transcript NM_001080517.3 (MANE Select); coding-DNA position 1160, T replaced by C.
Protein change: p.Ile387Thr; replaces isoleucine 387 with threonine.
Molecular consequence: missense variant.
Genome position (GRCh38, 1-based): chr3:9,443,390, T>C. VCF-style: chr3-9443390-T-C. GRCh37 (hg19) VCF-style: chr3-9485074-T-C.
Other names: c.866T>C, p.Ile289Thr (NM_001292043.2, NM_001349451.2); c.1256T>C, p.Ile419Thr (NM_001437633.1); c.1217T>C, p.Ile406Thr (NM_001437635.1); c.1160T>C, p.Ile387Thr (NM_001437643.1); c.1199T>C, p.Ile400Thr (NM_001437701.1); short protein forms I289T, I387T, I400T, I406T, I419T.
Identifiers: ClinVar variation 4884438 (VCV004884438.1).

ClinVar aggregate classification (germline): Likely pathogenic (1 of 4 stars; one submission).

Conditions:
Intellectual disability-facial dysmorphism syndrome due to SETD5 haploinsufficiency (MRD23). Also called: Intellectual developmental disorder, autosomal dominant 23. Identifiers: Orphanet 404440, MedGen C3810406, MONDO:0014336, OMIM 615761.

Submission:

Genetics Institute, Tel Aviv Sourasky Medical Center
Classification: Likely pathogenic for Intellectual disability-facial dysmorphism syndrome due to SETD5 haploinsufficiency. Last evaluated: 2026-07-01. Review status: criteria provided, single submitter. Criteria: ACMG Guidelines, 2015. Collection method: research. Allele origin: germline. Affected: yes.
Comment: The variant affects a highly conserved amino acid (GERP 5.87) in the protein's functional domain (SET domain). The variant was not observed in public databases (gnomAD MAF = 0), and it is predicted deleterious (REVEL 0.94, AlphaMissense 0.995). The variant was classified as likely pathogenic according to ACMG criteria (PP3_strong, PM2_supporting, PM1, PM5_supporting, PS2_moderate).